The following is an entry in ClinVar:

NM_005228.5(EGFR):c.3254C>G (p.Thr1085Ser)

Gene: EGFR (epidermal growth factor receptor; plus strand). Cytogenetic location: 7p11.2.
Variant type: single nucleotide variant.
Coding change: c.3254C>G on transcript NM_005228.5 (MANE Select); coding-DNA position 3254, C replaced by G.
Protein change: p.Thr1085Ser; replaces threonine 1085 with serine.
Molecular consequence: missense variant.
Genome position (GRCh38, 1-based): chr7:55,202,608, C>G. VCF-style: chr7-55202608-C-G. GRCh37 (hg19) VCF-style: chr7-55270301-C-G.
Other names: c.3119C>G, p.Thr1040Ser (NM_001346897.2, NM_001346899.2); c.3254C>G, p.Thr1085Ser (NM_001346898.2); c.3095C>G, p.Thr1032Ser (NM_001346900.2); c.2453C>G, p.Thr818Ser (NM_001346941.2); short protein forms T1032S, T1040S, T818S, T1085S.
Identifiers: ClinVar variation 4639684 (VCV004639684.1).
Genomic context (GRCh38, chr7:55,202,608, plus strand): 5'-TCTTGCAGCGATACAGCTCAGACCCCACAGGCGCCTTGACTGAGGACAGCATAGACGACA[C>G]CTTCCTCCCAGTGCCTGGTGAGTGGCTTGTCTGGAAACAGTCCTGCTCCTCAACCTCCTC-3'
Protein context (NP_005219.2, residues 1075-1095): GALTEDSIDD[Thr1085Ser]FLPVPEYINQ

ClinVar aggregate classification (germline): Uncertain significance (1 of 4 stars; one submission).

Conditions:
Hereditary cancer-predisposing syndrome. Also called: Neoplastic Syndromes, Hereditary; Tumor predisposition; Hereditary Cancer Syndrome; Hereditary neoplastic syndrome. Identifiers: Orphanet 140162, MedGen C0027672, MeSH D009386, MONDO:0015356.

Submission:

Ambry Genetics
Classification: Uncertain significance for Hereditary cancer-predisposing syndrome. Last evaluated: 2025-11-18. Review status: criteria provided, single submitter. Criteria: Ambry Variant Classification Scheme 2023. Collection method: clinical testing. Allele origin: germline.
Comment: The p.T1085S variant (also known as c.3254C>G), located in coding exon 27 of the EGFR gene, results from a C to G substitution at nucleotide position 3254. The threonine at codon 1085 is replaced by serine, an amino acid with similar properties. This amino acid position is conserved. In addition, this alteration is predicted to be tolerated by in silico analysis. Based on the available evidence, the clinical significance of this variant remains unclear.